The following is an entry in ClinVar:

ClinVar aggregate classification (germline): Uncertain significance (1 of 4 stars; one submission).

Submission:

Labcorp Genetics (formerly Invitae), Labcorp
Classification: Uncertain significance. Last evaluated: 2022-06-12. Review status: criteria provided, single submitter. Criteria: Invitae Variant Classification Sherloc (09022015). Collection method: clinical testing. Allele origin: germline.
Comment: In summary, the available evidence is currently insufficient to determine the role of this variant in disease. Therefore, it has been classified as a Variant of Uncertain Significance. Experimental studies and prediction algorithms are not available or were not evaluated, and the functional significance of this variant is currently unknown. This variant has not been reported in the literature in individuals affected with TBXAS1-related conditions. This variant is a gross deletion of the genomic region encompassing exon(s) 3-4 of the TBXAS1 gene. This variant would be expected to be in-frame, preserving the integrity of the reading frame.

NC_000007.13:g.(?_139575364)_(139611140_?)del

Gene: TBXAS1 (thromboxane A synthase 1; plus strand). Cytogenetic location: 7q34.
Variant type: Deletion.
Identifiers: ClinVar variation 2423592 (VCV002423592.3).